The following is an entry in ClinVar:

ClinVar aggregate classification (germline): Pathogenic/Likely pathogenic. Review status: criteria provided, multiple submitters, no conflicts (2 of 4 stars). 2 submissions from 2 submitters: Pathogenic (1); Likely pathogenic (1). Last evaluated 2024-05-06.

Conditions:
Congenital myasthenic syndrome 4A. Also called: Myasthenic syndrome, congenital, 4a, slow-channel; CONGENITAL MYASTHENIC SYNDROME TYPE Ia1; MYASTHENIC SYNDROME, CONGENITAL, 4A, SLOW-CHANNEL, AUTOSOMAL RECESSIVE. Identifiers: Orphanet 590, MedGen C4225413, MONDO:0011600, OMIM 605809.

Submissions (2):

Labcorp Genetics (formerly Invitae), Labcorp
Classification: Pathogenic for Congenital myasthenic syndrome 4A. Last evaluated: 2024-05-06. Review status: criteria provided, single submitter. Criteria: Invitae Variant Classification Sherloc (09022015). Collection method: clinical testing. Allele origin: germline.
Comment: This sequence change creates a premature translational stop signal (p.Ala462Leufs*19) in the CHRNE gene. While this is not anticipated to result in nonsense mediated decay, it is expected to disrupt the last 32 amino acid(s) of the CHRNE protein. This variant is not present in population databases (gnomAD no frequency). This variant has not been reported in the literature in individuals affected with CHRNE-related conditions. Algorithms developed to predict the effect of sequence changes on RNA splicing suggest that this variant may disrupt the consensus splice site. This variant disrupts a region of the CHRNE protein in which other variant(s) (p.Leu463Arg) have been determined to be pathogenic (Invitae). This suggests that this is a clinically significant region of the protein, and that variants that disrupt it are likely to be disease-causing. For these reasons, this variant has been classified as Pathogenic.

Baylor Genetics
Classification: Likely pathogenic for Congenital myasthenic syndrome 4A. Last evaluated: 2023-12-20. Review status: criteria provided, single submitter. Criteria: ACMG Guidelines, 2015. Collection method: clinical testing. Allele origin: unknown.

NM_000080.4(CHRNE):c.1383_1393del (p.Ala462fs)

Gene: CHRNE (cholinergic receptor nicotinic epsilon subunit; minus strand). Cytogenetic location: 17p13.2.
Variant type: Deletion.
Coding change: c.1383_1393del on transcript NM_000080.4 (MANE Select); coding-DNA positions 1383 to 1393, 11 bases deleted (CGCTCTGGTGC).
Protein change: p.Ala462fs; shifts the reading frame from alanine 462.
Molecular consequence: frameshift variant.
Genome position (GRCh38, 1-based): chr17:4,898,825-4,898,835, GCACCAGAGCG deleted on the plus strand (CGCTCTGGTGC on the coding strand, the reverse complement: CHRNE is on the minus strand); deleting any 11 consecutive bases within chr17:4,898,825-4,898,837 gives the same sequence; the c. name uses the placement nearest the transcript's 3' end. VCF-style (leftmost placement, unchanged base first): chr17-4898824-AGCACCAGAGCG-A. GRCh37 (hg19) VCF-style: chr17-4802119-AGCACCAGAGCG-A.
Other names: short protein forms A462fs.
Identifiers: ClinVar variation 2697249 (VCV002697249.4), dbSNP rs2509299464, ClinGen allele CA2697556118.